The following is an entry in ClinVar:

ClinVar aggregate classification (germline): Uncertain significance (1 of 4 stars; one submission).

gnomAD v4.1: 2 of 1,614,180 alleles (0.00012%); highest among the groups gnomAD compares: Admixed American, 0.0017%; no homozygotes.

Submission:

Labcorp Genetics (formerly Invitae), Labcorp
Classification: Uncertain significance. Last evaluated: 2022-05-03. Review status: criteria provided, single submitter. Criteria: Invitae Variant Classification Sherloc (09022015). Collection method: clinical testing. Allele origin: germline.
Comment: This sequence change replaces cysteine, which is neutral and slightly polar, with arginine, which is basic and polar, at codon 790 of the TRIM37 protein (p.Cys790Arg). This variant is present in population databases (no rsID available, gnomAD 0.003%). This variant has not been reported in the literature in individuals affected with TRIM37-related conditions. Algorithms developed to predict the effect of missense changes on protein structure and function are either unavailable or do not agree on the potential impact of this missense change (SIFT: "Not Available"; PolyPhen-2: "Benign"; Align-GVGD: "Not Available"). In summary, the available evidence is currently insufficient to determine the role of this variant in disease. Therefore, it has been classified as a Variant of Uncertain Significance.

NM_015294.6(TRIM37):c.2368T>C (p.Cys790Arg)

Gene: TRIM37 (tripartite motif containing 37; minus strand). Cytogenetic location: 17q22.
Variant type: single nucleotide variant.
Coding change: c.2368T>C on transcript NM_015294.6 (MANE Select); coding-DNA position 2368, T replaced by C.
Protein change: p.Cys790Arg; replaces cysteine 790 with arginine.
Molecular consequence: missense variant. On other transcripts: non-coding transcript variant (2).
Genome position (GRCh38, 1-based): chr17:59,017,314, A>G on the plus strand (T>C on the coding strand, the complement: TRIM37 is on the minus strand). VCF-style: chr17-59017314-A-G. GRCh37 (hg19) VCF-style: chr17-57094675-A-G.
Other names: c.2368T>C, p.Cys790Arg (NM_001005207.5, NM_001320988.3, NM_001320989.3 and 1 more transcripts); c.2266T>C, p.Cys756Arg (NM_001320987.3, NM_001353082.2); c.2002T>C, p.Cys668Arg (NM_001320990.3); c.1633T>C, p.Cys545Arg (NM_001353083.2); c.1906T>C, p.Cys636Arg (NM_001353085.2); c.2317T>C, p.Cys773Arg (NM_001353086.2); short protein forms C636R, C773R, C790R, C668R, C545R, C756R.
Identifiers: ClinVar variation 1972769 (VCV001972769.2), dbSNP rs766715231, ClinGen allele CA400390794.
Genomic context (GRCh38, chr17:59,017,314, plus strand): 5'-ATTTACCCCACTAAAAGTACATTCTGAATCCCTCAAATTTACCTTCAGACAGAGTCTGAC[A>G]GTCTCCCTTTGAACGACTATTTTCTCCAGGGTCCACTGCTCTTCGAAGTGATAGACTACC-3'
Protein context (NP_056109.1, residues 780-800): PGENSRSKGD[Cys790Arg]QTLSEGSPGS